The following is an entry in ClinVar:

ClinVar aggregate classification (germline): Pathogenic (1 of 4 stars; one submission).

Conditions:
Charcot-Marie-Tooth disease recessive intermediate C. Also called: CHARCOT-MARIE-TOOTH NEUROPATHY, RECESSIVE INTERMEDIATE C. Identifiers: Orphanet 369867, MedGen C3809309, MONDO:0014154, OMIM 615376.
Neuronopathy, distal hereditary motor, autosomal recessive 4. Also called: Autosomal recessive lower motor neuron disease with childhood onset; NEUROPATHY, DISTAL HEREDITARY MOTOR, AUTOSOMAL RECESSIVE 4. Identifiers: Orphanet 206580, MedGen C1970211, MONDO:0012608, OMIM 611067.

gnomAD v4.1: 1 of 1,613,880 alleles (0.000062%); highest among the groups gnomAD compares: Non-Finnish European, 0.000085%; no homozygotes.

Submission:

Labcorp Genetics (formerly Invitae), Labcorp
Classification: Pathogenic for Neuronopathy, distal hereditary motor, autosomal recessive 4; Charcot-Marie-Tooth disease recessive intermediate C. Last evaluated: 2023-05-13. Review status: criteria provided, single submitter. Criteria: Invitae Variant Classification Sherloc (09022015). Collection method: clinical testing. Allele origin: germline.
Comment: For these reasons, this variant has been classified as Pathogenic. ClinVar contains an entry for this variant (Variation ID: 1069212). This premature translational stop signal has been observed in individual(s) with Charcot-Marie-Tooth disease (PMID: 34602496). This variant is not present in population databases (gnomAD no frequency). This sequence change creates a premature translational stop signal (p.Tyr303*) in the PLEKHG5 gene. It is expected to result in an absent or disrupted protein product. Loss-of-function variants in PLEKHG5 are known to be pathogenic (PMID: 17564964, 23777631).

Literature cited by the submitters: PubMed 34602496; PubMed 17564964; PubMed 23777631.

NM_020631.6(PLEKHG5):c.909C>A (p.Tyr303Ter)

Gene: PLEKHG5 (pleckstrin homology and RhoGEF domain containing G5; minus strand). Cytogenetic location: 1p36.31.
Variant type: single nucleotide variant.
Coding change: c.909C>A on transcript NM_020631.6 (MANE Select); coding-DNA position 909, C replaced by A.
Protein change: p.Tyr303Ter; replaces tyrosine 303 with a stop codon.
Molecular consequence: nonsense.
Genome position (GRCh38, 1-based): chr1:6,473,061, G>T on the plus strand (C>A on the coding strand, the complement: PLEKHG5 is on the minus strand). VCF-style: chr1-6473061-G-T. GRCh37 (hg19) VCF-style: chr1-6533121-G-T.
Other names: c.1020C>A, p.Tyr340Ter (NM_001042663.3, NM_001265592.2); c.909C>A, p.Tyr303Ter (NM_001042664.2, NM_001042665.2, NM_001265594.3 and 1 more transcripts); c.1116C>A, p.Tyr372Ter (NM_001265593.2); short protein forms Y303*, Y340*, Y372*.
Identifiers: ClinVar variation 1069212 (VCV001069212.7), dbSNP rs376900021, ClinGen allele CA338134179.